The following is an entry in ClinVar:

ClinVar aggregate classification (germline): Uncertain significance (1 of 4 stars; one submission).

Submission:

Labcorp Genetics (formerly Invitae), Labcorp
Classification: Uncertain significance. Last evaluated: 2020-10-07. Review status: criteria provided, single submitter. Criteria: Invitae Variant Classification Sherloc (09022015). Collection method: clinical testing. Allele origin: germline.
Comment: In summary, the available evidence is currently insufficient to determine the role of this variant in disease. Therefore, it has been classified as a Variant of Uncertain Significance. This variant has not been reported in the literature in individuals with RIPPLY2-related conditions. This variant results in a copy number gain of the genomic region encompassing the full coding sequence of the RIPPLY2 gene. The boundaries of this event are unknown as they extend beyond the assayed region for this gene and therefore may encompass additional genes. As the precise location of this event is unknown, it may be in tandem or it may be located elsewhere in the genome.

NC_000006.11:g.(?_83878953)_(84567108_?)dup

Genes: SNAP91 (synaptosome associated protein 91; minus strand), RWDD2A (RWD domain containing 2A; plus strand), ME1 (malic enzyme 1; minus strand), PGM3 (phosphoglucomutase 3; minus strand), PRSS35 (serine protease 35; plus strand) and 1 more. Cytogenetic location: 6q14.1-14.2.
Variant type: Duplication.
Identifiers: ClinVar variation 1003195 (VCV001003195.5).